The following is an entry in ClinVar:

ClinVar aggregate classification (germline): Uncertain significance (1 of 4 stars; one submission).

Conditions:
Inborn genetic diseases. Identifiers: MedGen C0950123, MeSH D030342.

Submission:

Ambry Genetics
Classification: Uncertain significance for Inborn genetic diseases. Last evaluated: 2022-07-11. Review status: criteria provided, single submitter. Criteria: Ambry Variant Classification Scheme 2023. Collection method: clinical testing. Allele origin: germline.
Comment: The p.V426A variant (also known as c.1277T>C), located in coding exon 14 of the KIF1A gene, results from a T to C substitution at nucleotide position 1277. The valine at codon 426 is replaced by alanine, an amino acid with similar properties. This amino acid position is highly conserved in available vertebrate species. In addition, this alteration is predicted to be tolerated by in silico analysis. The evidence for this gene-disease relationship is limited; therefore, the clinical significance of this alteration is unclear.

NM_001244008.2(KIF1A):c.1277T>C (p.Val426Ala)

Gene: KIF1A (kinesin family member 1A; minus strand). Cytogenetic location: 2q37.3.
Variant type: single nucleotide variant.
Coding change: c.1277T>C on transcript NM_001244008.2 (MANE Select); coding-DNA position 1277, T replaced by C.
Protein change: p.Val426Ala; replaces valine 426 with alanine.
Molecular consequence: missense variant.
Genome position (GRCh38, 1-based): chr2:240,771,035, A>G on the plus strand (T>C on the coding strand, the complement: KIF1A is on the minus strand). VCF-style: chr2-240771035-A-G. GRCh37 (hg19) VCF-style: chr2-241710452-A-G.
Other names: c.1277T>C, p.Val426Ala (NM_001320705.2, NM_001330289.2, NM_001379638.1); c.1352T>C, p.Val451Ala (NM_001330290.2, NM_001379631.1, NM_001379634.1 and 2 more transcripts); c.1250T>C, p.Val417Ala (NM_001379632.1, NM_001379633.1, NM_001379636.1 and 11 more transcripts); c.1325T>C, p.Val442Ala (NM_001379637.1, NM_001379648.1); short protein forms V417A, V451A, V426A, V442A.
Identifiers: ClinVar variation 1766950 (VCV001766950.2), dbSNP rs2537865668, ClinGen allele CA351330536.